The following is an entry in ClinVar:

NC_000023.11:g.(?_14857852)_(14859344_?)del

Gene: FANCB (FA complementation group B; minus strand). Cytogenetic location: Xp22.2.
Variant type: Deletion.
Identifiers: ClinVar variation 583782 (VCV000583782.8).

ClinVar aggregate classification (germline): Likely pathogenic (1 of 4 stars; one submission).

Conditions:
Fanconi anemia (FA). Also called: Fanconi's anemia. Identifiers: Orphanet 84, MedGen C0015625, MeSH D005199, MONDO:0019391.

Submission:

Labcorp Genetics (formerly Invitae), Labcorp
Classification: Likely pathogenic for Fanconi anemia. Last evaluated: 2018-08-07. Review status: criteria provided, single submitter. Criteria: Invitae Variant Classification Sherloc (09022015). Collection method: clinical testing. Allele origin: germline.
Comment: In summary, the currently available evidence indicates that the variant is pathogenic, but additional data are needed to prove that conclusively. Therefore, this variant has been classified as Likely Pathogenic. Experimental studies and prediction algorithms are not available for this variant, and the functional significance of the deleted amino acids is currently unknown. This variant has been observed to segregate with Fanconi anemia in a family (Invitae). This variant is an in-frame deletion of the genomic region encompassing exons 4-5 of the FANCB gene. It preserves the integrity of the reading frame.